The following is an entry in ClinVar:

ClinVar aggregate classification (germline): Likely pathogenic (1 of 4 stars; one submission).

Allele frequency attached by ClinVar (database versions not stated): gnomAD 0.00001.

Submission:

Labcorp Genetics (formerly Invitae), Labcorp
Classification: Likely pathogenic. Last evaluated: 2024-01-05. Review status: criteria provided, single submitter. Criteria: Invitae Variant Classification Sherloc (09022015). Collection method: clinical testing. Allele origin: germline.
Comment: This sequence change affects a donor splice site in intron 4 of the TMEM38B gene. It is expected to disrupt RNA splicing. Variants that disrupt the donor or acceptor splice site typically lead to a loss of protein function (PMID: 16199547), and loss-of-function variants in TMEM38B are known to be pathogenic (PMID: 17611541, 23054245). This variant is present in population databases (no rsID available, gnomAD 0.01%). This variant has not been reported in the literature in individuals affected with TMEM38B-related conditions. Algorithms developed to predict the effect of sequence changes on RNA splicing suggest that this variant may disrupt the consensus splice site. In summary, the currently available evidence indicates that the variant is pathogenic, but additional data are needed to prove that conclusively. Therefore, this variant has been classified as Likely Pathogenic.

Literature cited by the submitters: PubMed 16199547; PubMed 17611541; PubMed 23054245.

NM_018112.3(TMEM38B):c.542+2T>G

Gene: TMEM38B (transmembrane protein 38B; plus strand). Cytogenetic location: 9q31.2.
Variant type: single nucleotide variant.
Coding change: c.542+2T>G on transcript NM_018112.3 (MANE Select); the canonical splice donor site of the intron after coding-DNA position 542, T replaced by G.
Molecular consequence: splice donor variant.
Genome position (GRCh38, 1-based): chr9:105,722,623, T>G. VCF-style: chr9-105722623-T-G. GRCh37 (hg19) VCF-style: chr9-108484904-T-G.
Identifiers: ClinVar variation 2869687 (VCV002869687.3), dbSNP rs1424044273, ClinGen allele CA374380687.